The following is an entry in ClinVar:

NM_002860.4(ALDH18A1):c.1915G>A (p.Val639Met)

Gene: ALDH18A1 (aldehyde dehydrogenase 18 family member A1; minus strand). Cytogenetic location: 10q24.1.
Variant type: single nucleotide variant.
Coding change: c.1915G>A on transcript NM_002860.4 (MANE Select); coding-DNA position 1915, G replaced by A.
Protein change: p.Val639Met; replaces valine 639 with methionine.
Molecular consequence: missense variant.
Genome position (GRCh38, 1-based): chr10:95,613,750, C>T on the plus strand (G>A on the coding strand, the complement: ALDH18A1 is on the minus strand). VCF-style: chr10-95613750-C-T. GRCh37 (hg19) VCF-style: chr10-97373507-C-T.
Other names: c.1915G>A (NM_002860.3); c.1909G>A, p.Val637Met (NM_001017423.2, NM_001323415.2); c.1582G>A, p.Val528Met (NM_001323412.2, NM_001323416.2); c.1915G>A, p.Val639Met (NM_001323413.2, NM_001323414.2); c.1810G>A, p.Val604Met (NM_001323417.2); c.1576G>A, p.Val526Met (NM_001323418.2); c.1279G>A, p.Val427Met (NM_001323419.2); short protein forms V528M, V639M, V526M, V604M, V637M, V427M.
Identifiers: ClinVar variation 2185308 (VCV002185308.5), dbSNP rs769158739, ClinGen allele CA5620199.
Genomic context (GRCh38, chr10:95,613,750, plus strand): 5'-TCCACAGGCTTCTAAGACAGGAAGTAATGTACTAGTCCTATGGAACTCTTACCTGTTCCA[C>T]TCTCAGCATATCAATGATCTGGTCAAATAATGGTGTCCTGAGCAGATCCCGGTGGATTAA-3'
Protein context (NP_002851.2, residues 629-649): LFDQIIDMLR[Val639Met]EQVKIHAGPK

ClinVar aggregate classification (germline): Uncertain significance. Review status: criteria provided, multiple submitters, no conflicts (2 of 4 stars). 2 submissions from 2 submitters: Uncertain significance (2). Last evaluated 2025-02-10.

Conditions:
Cutis laxa, autosomal dominant 3 (ADCL3). Identifiers: Orphanet 90348, MedGen C4225268, MONDO:0014706, OMIM 616603.
Autosomal dominant spastic paraplegia type 9. Identifiers: MedGen C1832669, MONDO:0015091.
de Barsy syndrome. Also called: Cutis laxa-corneal clouding-oligophrenia syndrome. Identifiers: Orphanet 2962, MedGen C0268354, MONDO:0017569.

Allele frequency attached by ClinVar (database versions not stated): ExAC 0.00001; gnomAD exomes 0.00002.
gnomAD v4.1: 13 of 1,614,156 alleles (0.00081%); highest among the groups gnomAD compares: East Asian, 0.027%; no homozygotes.

Submissions (2):

Labcorp Genetics (formerly Invitae), Labcorp
Classification: Uncertain significance for Autosomal dominant spastic paraplegia type 9; de Barsy syndrome; Cutis laxa, autosomal dominant 3. Last evaluated: 2025-02-10. Review status: criteria provided, single submitter. Criteria: Invitae Variant Classification Sherloc (09022015). Collection method: clinical testing. Allele origin: germline.
Comment: This sequence change replaces valine, which is neutral and non-polar, with methionine, which is neutral and non-polar, at codon 639 of the ALDH18A1 protein (p.Val639Met). This variant is present in population databases (rs769158739, gnomAD 0.006%). This variant has not been reported in the literature in individuals affected with ALDH18A1-related conditions. ClinVar contains an entry for this variant (Variation ID: 2185308). Invitae Evidence Modeling of protein sequence and biophysical properties (such as structural, functional, and spatial information, amino acid conservation, physicochemical variation, residue mobility, and thermodynamic stability) indicates that this missense variant is not expected to disrupt ALDH18A1 protein function with a negative predictive value of 95%. In summary, the available evidence is currently insufficient to determine the role of this variant in disease. Therefore, it has been classified as a Variant of Uncertain Significance.

GeneDx
Classification: Uncertain significance. Last evaluated: 2024-02-01. Review status: criteria provided, single submitter. Criteria: GeneDx Variant Classification Process June 2021. Collection method: clinical testing. Allele origin: germline. Affected: yes.
Comment: Not observed at significant frequency in large population cohorts (gnomAD); In silico analysis supports that this missense variant does not alter protein structure/function; Has not been previously published as pathogenic or benign to our knowledge